The following is an entry in ClinVar:

ClinVar aggregate classification (germline): Likely benign. Review status: criteria provided, multiple submitters, no conflicts (2 of 4 stars). 4 submissions from 4 submitters: Likely benign (3). 1 of the submissions does not count toward it. Last evaluated 2025-02-14.

Conditions:
JPH2-related disorder. Also called: JPH2-related condition.
Cardiovascular phenotype. Identifiers: MedGen CN230736.
Hypertrophic cardiomyopathy. Also called: HYPERTROPHIC MYOCARDIOPATHY. Identifiers: Orphanet 217569, MedGen C0007194, MeSH D002312, MONDO:0005045, HP:0001639.

Allele frequency attached by ClinVar (database versions not stated): ExAC 0.00002; gnomAD exomes 0.00002; gnomAD 0.00004; TOPMed 0.00006.
gnomAD v4.1: 21 of 1,612,384 alleles (0.0013%); highest among the groups gnomAD compares: Admixed American, 0.0067%; no homozygotes.

Submissions (4):

Labcorp Genetics (formerly Invitae), Labcorp
Classification: Likely benign for Hypertrophic cardiomyopathy. Last evaluated: 2025-02-14. Review status: criteria provided, single submitter. Criteria: Invitae Variant Classification Sherloc (09022015). Collection method: clinical testing. Allele origin: germline.

Blueprint Genetics
Classification: Likely benign. Last evaluated: 2022-03-10. Review status: criteria provided, single submitter. Criteria: ACMG Guidelines, 2015. Collection method: clinical testing. Allele origin: germline.

Ambry Genetics
Classification: Likely benign for Cardiovascular phenotype. Last evaluated: 2016-06-03. Review status: criteria provided, single submitter. Criteria: Ambry Variant Classification Scheme 2023. Collection method: clinical testing. Allele origin: germline.

PreventionGenetics, part of Exact Sciences
Classification: Likely benign for JPH2-related condition. Last evaluated: 2020-11-10. Review status: no assertion criteria provided. Collection method: clinical testing. Allele origin: germline. Not counted in ClinVar's aggregate classification.
Comment: This variant is classified as likely benign based on ACMG/AMP sequence variant interpretation guidelines (Richards et al. 2015 PMID: 25741868, with internal and published modifications).

NM_020433.5(JPH2):c.1212C>T (p.Ala404=)

Gene: JPH2 (junctophilin 2; minus strand). Cytogenetic location: 20q13.12.
Variant type: single nucleotide variant.
Coding change: c.1212C>T on transcript NM_020433.5 (MANE Select); coding-DNA position 1212, C replaced by T.
Protein change: p.Ala404=; no amino-acid change (alanine 404 retained).
Molecular consequence: synonymous variant.
Genome position (GRCh38, 1-based): chr20:44,118,581, G>A on the plus strand (C>T on the coding strand, the complement: JPH2 is on the minus strand). VCF-style: chr20-44118581-G-A. GRCh37 (hg19) VCF-style: chr20-42747221-G-A.
Identifiers: ClinVar variation 520279 (VCV000520279.17), dbSNP rs781376425, ClinGen allele CA9868699.